The following is an entry in ClinVar:

ClinVar aggregate classification (germline): Pathogenic. Review status: criteria provided, multiple submitters, no conflicts (2 of 4 stars). 3 submissions from 3 submitters: Pathogenic (3). Last evaluated 2024-08-29.

Conditions:
Wilson disease (WND). Also called: Wilson's disease. Identifiers: Orphanet 905, MedGen C0019202, MONDO:0010200, OMIM 277900. Disease mechanism: loss of function.

Allele frequency attached by ClinVar (database versions not stated): gnomAD exomes below 0.00001.

Submissions (3):

Lildballe Lab, Aarhus University Hospital
Classification: Pathogenic for Wilson disease. Last evaluated: 2024-08-29. Review status: criteria provided, single submitter. Criteria: ACMG Guidelines, 2015. Collection method: clinical testing. Allele origin: germline. Affected: yes.
Comment: PVS1, PP5, PM2

Labcorp Genetics (formerly Invitae), Labcorp
Classification: Pathogenic for Wilson disease. Last evaluated: 2024-02-19. Review status: criteria provided, single submitter. Criteria: Invitae Variant Classification Sherloc (09022015). Collection method: clinical testing. Allele origin: germline.
Comment: This sequence change creates a premature translational stop signal (p.Leu1325Argfs*5) in the ATP7B gene. It is expected to result in an absent or disrupted protein product. Loss-of-function variants in ATP7B are known to be pathogenic (PMID: 10441329, 16283883). This variant is not present in population databases (gnomAD no frequency). This variant has not been reported in the literature in individuals affected with ATP7B-related conditions. ClinVar contains an entry for this variant (Variation ID: 860819). For these reasons, this variant has been classified as Pathogenic.

Genome-Nilou Lab
Classification: Pathogenic for Wilson disease. Last evaluated: 2021-08-10. Review status: criteria provided, single submitter. Criteria: ACMG Guidelines, 2015. Collection method: clinical testing. Allele origin: germline. Affected: no.

Literature cited by the submitters: PubMed 10441329 (cited by Labcorp Genetics (formerly Invitae), Labcorp); PubMed 16283883 (cited by Labcorp Genetics (formerly Invitae), Labcorp).

NM_000053.4(ATP7B):c.3974del (p.Leu1325fs)

Gene: ATP7B (ATPase copper transporting beta; minus strand). Cytogenetic location: 13q14.3.
Variant type: Deletion.
Coding change: c.3974del on transcript NM_000053.4 (MANE Select); coding-DNA position 3974, one base deleted (T; older notation c.3974delT).
Protein change: p.Leu1325fs; shifts the reading frame from leucine 1325.
Molecular consequence: frameshift variant.
Genome position (GRCh38, 1-based): chr13:51,937,323, A deleted on the plus strand (T on the coding strand, the reverse complement: ATP7B is on the minus strand). VCF-style (leftmost placement, unchanged base first): chr13-51937322-CA-C. GRCh37 (hg19) VCF-style: chr13-52511458-CA-C.
Other names: c.3353del, p.Leu1118fs (NM_001005918.3); c.3641del, p.Leu1214fs (NM_001243182.2); c.3740del, p.Leu1247fs (NM_001330578.2); c.3722del, p.Leu1241fs (NM_001330579.2); c.3974delT (NM_000053.4); short protein forms L1118fs, L1214fs, L1241fs, L1247fs, L1325fs.
Identifiers: ClinVar variation 860819 (VCV000860819.9), dbSNP rs1957027467, ClinGen allele CA916083352.